The following is an entry in ClinVar:

ClinVar aggregate classification (germline): Likely benign. Review status: criteria provided, multiple submitters, no conflicts (2 of 4 stars). 2 submissions from 2 submitters: Likely benign (2). Last evaluated 2024-08-10.

Conditions:
Vici syndrome (VICIS). Identifiers: Orphanet 1493, MedGen C1855772, MONDO:0009452, OMIM 242840.

gnomAD v4.1: 5 of 1,613,838 alleles (0.00031%); highest among the groups gnomAD compares: Non-Finnish European, 0.00042%; no homozygotes.

Submissions (2):

Labcorp Genetics (formerly Invitae), Labcorp
Classification: Likely benign for Vici syndrome. Last evaluated: 2024-08-10. Review status: criteria provided, single submitter. Criteria: Invitae Variant Classification Sherloc (09022015). Collection method: clinical testing. Allele origin: germline.

CeGaT Center for Human Genetics Tuebingen
Classification: Likely benign. Last evaluated: 2022-07-01. Review status: criteria provided, single submitter. Criteria: CeGaT Center For Human Genetics Tuebingen Variant Classification Criteria Version 2. Collection method: clinical testing. Allele origin: germline. Affected: yes. Observed: 1 variant allele.
Comment: EPG5: BP4, BP7

NM_020964.3(EPG5):c.291G>C (p.Thr97=)

Gene: EPG5 (ectopic P-granules 5 autophagy tethering factor; minus strand). Cytogenetic location: 18q21.1.
Variant type: single nucleotide variant.
Coding change: c.291G>C on transcript NM_020964.3 (MANE Select); coding-DNA position 291, G replaced by C.
Protein change: p.Thr97=; no amino-acid change (threonine 97 retained).
Molecular consequence: synonymous variant.
Genome position (GRCh38, 1-based): chr18:45,955,111, C>G on the plus strand (G>C on the coding strand, the complement: EPG5 is on the minus strand). VCF-style: chr18-45955111-C-G. GRCh37 (hg19) VCF-style: chr18-43535077-C-G.
Other names: c.291G>C, p.Thr97= (NM_001410858.1, NM_001410859.1).
Identifiers: ClinVar variation 2648702 (VCV002648702.27), dbSNP rs376360251, ClinGen allele CA8949980.